The following is an entry in ClinVar:

ClinVar aggregate classification (germline): Pathogenic (1 of 4 stars; one submission).

Submission:

GeneDx
Classification: Pathogenic. Last evaluated: 2017-10-02. Review status: criteria provided, single submitter. Criteria: GeneDx Variant Classification (06012015). Collection method: clinical testing. Allele origin: germline. Affected: yes.
Comment: The c.1818delT variant in the PYGL gene has not been reported previously as a pathogenic variant nor as a benign variant, to our knowledge. The c.1818delT variant causes a frameshift starting with codon Isoleucine 606, changes this amino acid to a Methionine residue, and creates a premature Stop codon at position 14 of the new reading frame, denoted p.Ile606MetfsX14. This variant is predicted to cause loss of normal protein function either through protein truncation or nonsense-mediated mRNA decay. The c.1818delT variant is observed in 1/30782 (0.003%) alleles from individuals of South Asian background, in the ExAC dataset, and no individuals were reported to be homozygous (Lek et al., 2016). We interpret c.1818delT as a pathogenic variant.

NM_002863.5(PYGL):c.1818del (p.Ile606fs)

Gene: PYGL (glycogen phosphorylase L; minus strand). Cytogenetic location: 14q22.1.
Variant type: Deletion.
Coding change: c.1818del on transcript NM_002863.5 (MANE Select); coding-DNA position 1818, one base deleted (T; older notation c.1818delT).
Protein change: p.Ile606fs; shifts the reading frame from isoleucine 606.
Molecular consequence: frameshift variant.
Genome position (GRCh38, 1-based): chr14:50,911,987, A deleted on the plus strand (T on the coding strand, the reverse complement: PYGL is on the minus strand); the first of 2 consecutive A bases (chr14:50,911,987-50,911,988); deleting either gives the same sequence. VCF-style (leftmost placement, unchanged base first): chr14-50911986-CA-C. GRCh37 (hg19) VCF-style: chr14-51378704-CA-C.
Other names: c.1716del, p.Ile572fs (NM_001163940.2); short protein forms I606fs, I572fs.
Identifiers: ClinVar variation 452643 (VCV000452643.2), dbSNP rs760913598, ClinGen allele CA7183340.